The following is an entry in ClinVar:

ClinVar aggregate classification (germline): Uncertain significance. Review status: criteria provided, multiple submitters, no conflicts (2 of 4 stars). 2 submissions from 2 submitters: Uncertain significance (2). Last evaluated 2025-04-15.

Conditions:
Charcot-Marie-Tooth disease type 2B (CMT2B). Also called: HEREDITARY MOTOR AND SENSORY NEUROPATHY IIB; CHARCOT-MARIE-TOOTH DISEASE, AXONAL, TYPE 2B; Charcot-Marie-Tooth Neuropathy Type 2B; CHARCOT-MARIE-TOOTH DISEASE, AUTOSOMAL DOMINANT, TYPE 2B. Identifiers: Orphanet 99936, MedGen C1833219, MONDO:0010949, OMIM 600882.

Allele frequency attached by ClinVar (database versions not stated): ExAC 0.00001; gnomAD 0.00001; TOPMed 0.00001; ESP Exome Variant Server 0.00008.
gnomAD v4.1: 16 of 1,614,006 alleles (0.00099%); highest among the groups gnomAD compares: Non-Finnish European, 0.0013%; no homozygotes.

Submissions (2):

Mayo Clinic Laboratories, Mayo Clinic
Classification: Uncertain significance. Last evaluated: 2025-04-15. Review status: criteria provided, single submitter. Criteria: ACMG Guidelines, 2015. Collection method: clinical testing. Allele origin: germline. Observed: 1 variant allele.

Labcorp Genetics (formerly Invitae), Labcorp
Classification: Uncertain significance for Charcot-Marie-Tooth disease type 2B. Last evaluated: 2022-06-14. Review status: criteria provided, single submitter. Criteria: Invitae Variant Classification Sherloc (09022015). Collection method: clinical testing. Allele origin: germline.
Comment: This sequence change replaces leucine, which is neutral and non-polar, with methionine, which is neutral and non-polar, at codon 182 of the RAB7A protein (p.Leu182Met). This variant is present in population databases (rs140685176, gnomAD 0.003%). This variant has not been reported in the literature in individuals affected with RAB7A-related conditions. Algorithms developed to predict the effect of missense changes on protein structure and function (SIFT, PolyPhen-2, Align-GVGD) all suggest that this variant is likely to be tolerated. In summary, the available evidence is currently insufficient to determine the role of this variant in disease. Therefore, it has been classified as a Variant of Uncertain Significance.

NM_004637.6(RAB7A):c.544C>A (p.Leu182Met)

Genes: RAB7A (RAB7A, member RAS oncogene family; plus strand), LOC112872299 (Sharpr-MPRA regulatory region 6458; plus strand). Cytogenetic location: 3q21.3.
Variant type: single nucleotide variant.
Coding change: c.544C>A on transcript NM_004637.6 (MANE Select); coding-DNA position 544, C replaced by A.
Protein change: p.Leu182Met; replaces leucine 182 with methionine.
Molecular consequence: missense variant.
Genome position (GRCh38, 1-based): chr3:128,813,342, C>A. VCF-style: chr3-128813342-C-A. GRCh37 (hg19) VCF-style: chr3-128532185-C-A.
Other names: p.Leu182Met; short protein forms L182M.
Identifiers: ClinVar variation 1983634 (VCV001983634.5), dbSNP rs140685176, ClinGen allele CA2600878.